The following is an entry in ClinVar:

NM_170606.3(KMT2C):c.2889T>C (p.Cys963=)

Gene: KMT2C (lysine methyltransferase 2C; minus strand). Cytogenetic location: 7q36.1.
Variant type: single nucleotide variant.
Coding change: c.2889T>C on transcript NM_170606.3 (MANE Select); coding-DNA position 2889, T replaced by C.
Protein change: p.Cys963=; no amino-acid change (cysteine 963 retained).
Molecular consequence: synonymous variant.
Genome position (GRCh38, 1-based): chr7:152,230,010, A>G on the plus strand (T>C on the coding strand, the complement: KMT2C is on the minus strand). VCF-style: chr7-152230010-A-G. GRCh37 (hg19) VCF-style: chr7-151927095-A-G.
Identifiers: ClinVar variation 3025626 (VCV003025626.22), dbSNP rs2129151108, ClinGen allele CA458698296.

ClinVar aggregate classification (germline): Likely benign (1 of 4 stars; one submission).

Submission:

CeGaT Center for Human Genetics Tuebingen
Classification: Likely benign. Last evaluated: 2024-12-01. Review status: criteria provided, single submitter. Criteria: CeGaT Center For Human Genetics Tuebingen Variant Classification Criteria Version 2. Collection method: clinical testing. Allele origin: germline. Affected: yes. Observed: 2 variant alleles.
Comment: KMT2C: BP4, BP7